The following is an entry in ClinVar:

NM_001127208.3(TET2):c.3457G>T (p.Ala1153Ser)

Genes: TET2 (tet methylcytosine dioxygenase 2; plus strand), TET2-AS1 (TET2 antisense RNA 1; minus strand). Cytogenetic location: 4q24.
Variant type: single nucleotide variant.
Coding change: c.3457G>T on transcript NM_001127208.3 (MANE Select); coding-DNA position 3457, G replaced by T.
Protein change: p.Ala1153Ser; replaces alanine 1153 with serine.
Molecular consequence: missense variant. On other transcripts: 3 prime UTR variant (1).
Genome position (GRCh38, 1-based): chr4:105,241,386, G>T. VCF-style: chr4-105241386-G-T. GRCh37 (hg19) VCF-style: chr4-106162543-G-T.
Other names: c.*3946G>T (NM_017628.4); short protein forms A1153S.
Identifiers: ClinVar variation 5030783 (VCV005030783.1).

ClinVar aggregate classification (germline): Uncertain significance (1 of 4 stars; one submission).

Submission:

Ambry Genetics
Classification: Uncertain significance. Last evaluated: 2026-09-07. Review status: criteria provided, single submitter. Criteria: Ambry Variant Classification Scheme 2023. Collection method: clinical testing. Allele origin: germline.
Comment: The p.A1153S variant (also known as c.3457G>T), located in coding exon 2 of the TET2 gene, results from a G to T substitution at nucleotide position 3457. The alanine at codon 1153 is replaced by serine, an amino acid with similar properties. This amino acid position is conserved. In addition, this alteration is predicted to be tolerated by in silico analysis. Based on the available evidence, the clinical significance of this variant remains unclear.